The following is an entry in ClinVar:

ClinVar aggregate classification (germline): Conflicting classifications of pathogenicity. Review status: criteria provided, conflicting classifications (1 of 4 stars). 18 submissions from 18 submitters: Uncertain significance (2); Benign (11); Likely benign (3). 2 of the submissions do not count toward it. Last evaluated 2026-02-04.

Conditions:
Cardiovascular phenotype. Identifiers: MedGen CN230736.
Hypercholesterolemia, autosomal dominant, type B (FHCL2). Also called: Familial Hypercholesterolemia Type B; APOLIPOPROTEIN B-100, FAMILIAL DEFECTIVE; APOLIPOPROTEIN B-100, FAMILIAL LIGAND-DEFECTIVE; HYPERCHOLESTEROLEMIA, FAMILIAL, DUE TO LIGAND-DEFECTIVE APOLIPOPROTEIN B; Hyperlipoproteinemia Type IIb; Familial hypercholesterolemia 2. Identifiers: MedGen C1704417, MONDO:0007751, OMIM 144010.
Familial hypobetalipoproteinemia 1. Also called: Hypobetalipoproteinemia, normotriglyceridemic; Acanthocytosis with hypobetalipoproteinemia; APOB-Related Familial Hypobetalipoproteinemia. Identifiers: MedGen C4551990, MONDO:0014252, OMIM 615558.
Familial hypercholesterolemia. Also called: Familial hypercholesterolemias; Familial hypercholesterolaemia. Identifiers: MedGen C0020445, MONDO:0005439.
Hypercholesterolemia, familial, 1. Also called: LDL RECEPTOR DISORDER; Hyperlipoproteinemia Type IIa; HYPER-LOW-DENSITY-LIPOPROTEINEMIA; HYPERCHOLESTEROLEMIC XANTHOMATOSIS, FAMILIAL; Fredrickson type IIa hyperlipoproteinemia; Hyperlipoproteinemia type 2. Identifiers: Orphanet 391665, MedGen C0745103, MONDO:0007750, OMIM 143890.

Allele frequency attached by ClinVar (database versions not stated): 1000 Genomes Project 30x 0.01405; 1000 Genomes Project 0.01418; ExAC 0.02407; TOPMed 0.02551; gnomAD 0.02558; ESP Exome Variant Server 0.02853; gnomAD exomes 0.03184.
gnomAD v4.1: 50,313 of 1,613,902 alleles (3.1%); highest among the groups gnomAD compares: Middle Eastern, 6.1%; 969 homozygotes.

Submissions (18):

Labcorp Genetics (formerly Invitae), Labcorp
Classification: Benign for Familial hypobetalipoproteinemia 1; Hypercholesterolemia, autosomal dominant, type B. Last evaluated: 2026-02-04. Review status: criteria provided, single submitter. Criteria: Invitae Variant Classification Sherloc (09022015). Collection method: clinical testing. Allele origin: germline.

Genomic Medicine Center of Excellence, King Faisal Specialist Hospital and Research Centre
Classification: Likely benign for Hypercholesterolemia, familial, 1. Last evaluated: 2025-07-30. Review status: criteria provided, single submitter. Criteria: ACMG Guidelines, 2015. Collection method: clinical testing. Allele origin: germline.

Molecular Diagnostic Laboratory for Inherited Cardiovascular Disease, Montreal Heart Institute
Classification: Benign. Last evaluated: 2025-04-09. Review status: criteria provided, single submitter. Criteria: ACMG Guidelines, 2015. Collection method: clinical testing. Allele origin: germline. Affected: no.

Blueprint Genetics
Classification: Benign. Last evaluated: 2024-11-26. Review status: criteria provided, single submitter. Criteria: ACMG Guidelines, 2015. Collection method: clinical testing. Allele origin: germline.

GENinCode PLC
Classification: Benign for Familial hypercholesterolemia. Last evaluated: 2024-10-16. Review status: criteria provided, single submitter. Criteria: ACMG Guidelines, 2015. Collection method: clinical testing. Allele origin: germline.
Comment: BA1

Quest Diagnostics Nichols Institute San Juan Capistrano
Classification: Benign. Last evaluated: 2022-05-23. Review status: criteria provided, single submitter. Criteria: Quest Diagnostics criteria. Collection method: clinical testing. Allele origin: unknown.

Genetic Services Laboratory, University of Chicago
Classification: Benign. Last evaluated: 2022-01-18. Review status: criteria provided, single submitter. Criteria: ACMG Guidelines, 2015. Collection method: clinical testing. Allele origin: germline. Affected: no.

Color Diagnostics, LLC DBA Color Health
Classification: Benign for Familial hypercholesterolemias. Last evaluated: 2017-08-04. Review status: criteria provided, single submitter. Criteria: ACMG Guidelines, 2015. Collection method: clinical testing. Allele origin: germline.

Illumina Laboratory Services, Illumina
Classification: Likely benign for Hypercholesterolemia, autosomal dominant, type B. Last evaluated: 2017-04-27. Review status: criteria provided, single submitter. Criteria: ICSL Variant Classification Criteria 13 December 2019. Collection method: clinical testing. Allele origin: germline.
Comment: This variant was observed as part of a predisposition screen in an ostensibly healthy population. A literature search was performed for the gene, cDNA change, and amino acid change (where applicable). Publications were found based on this search. The evidence from the literature, in combination with allele frequency data from public databases where available, was sufficient to determine this variant is unlikely to cause disease. Therefore, this variant is classified as likely benign.

GeneDx
Classification: Benign. Last evaluated: 2016-12-22. Review status: criteria provided, single submitter. Criteria: GeneDx Variant Classification (06012015). Collection method: clinical testing. Allele origin: germline. Affected: yes.
Comment: This variant is considered likely benign or benign based on one or more of the following criteria: it is a conservative change, it occurs at a poorly conserved position in the protein, it is predicted to be benign by multiple in silico algorithms, and/or has population frequency not consistent with disease.

Cardiovascular Research Group, Instituto Nacional de Saude Doutor Ricardo Jorge
Classification: Uncertain significance for Familial hypercholesterolemia. Last evaluated: 2016-03-01. Review status: criteria provided, single submitter. Criteria: ACMG Guidelines, 2015. Collection method: research. Allele origin: germline. Affected: yes.

Laboratory of Genetics and Molecular Cardiology, University of São Paulo
Classification: Uncertain significance for Familial hypercholesterolemia. Last evaluated: 2016-03-01. Review status: criteria provided, single submitter. Criteria: ACMG Guidelines, 2015. Collection method: research. Allele origin: germline. Study: HipercolBrasil.

Ambry Genetics
Classification: Benign for Cardiovascular phenotype. Last evaluated: 2015-12-08. Review status: criteria provided, single submitter. Criteria: Ambry Variant Classification Scheme 2023. Collection method: clinical testing. Allele origin: germline.

Genomic Diagnostic Laboratory, Division of Genomic Diagnostics, Children's Hospital of Philadelphia
Classification: Benign for Familial hypercholesterolemia. Last evaluated: 2015-07-17. Review status: criteria provided, single submitter. Criteria: DGD Variant Analysis Guidelines. Collection method: clinical testing. Allele origin: unknown.

Mayo Clinic Laboratories, Mayo Clinic
Classification: Benign. Last evaluated: 2014-04-03. Review status: criteria provided, single submitter. Criteria: ACMG Guidelines, 2015. Collection method: clinical testing. Allele origin: germline. Observed: 87 variant alleles.

PreventionGenetics, part of Exact Sciences
Classification: Likely benign. Review status: criteria provided, single submitter. Criteria: ACMG Guidelines, 2015. Collection method: clinical testing. Allele origin: germline.

Clinical Genetics, Academic Medical Center
Classification: Benign. Review status: no assertion criteria provided. Collection method: clinical testing. Allele origin: germline. Affected: yes. Study: VKGL Data-share Consensus. Not counted in ClinVar's aggregate classification.

Diagnostic Laboratory, Department of Genetics, University Medical Center Groningen
Classification: Benign. Review status: no assertion criteria provided. Collection method: clinical testing. Allele origin: germline. Affected: yes. Study: VKGL Data-share Consensus. Not counted in ClinVar's aggregate classification.

Literature cited by the submitters: PubMed 21303902 (cited by Quest Diagnostics Nichols Institute San Juan Capistrano); PubMed 24503134 (cited by Quest Diagnostics Nichols Institute San Juan Capistrano); PubMed 27153395 (cited by Quest Diagnostics Nichols Institute San Juan Capistrano); PubMed 21408211 (cited by Quest Diagnostics Nichols Institute San Juan Capistrano and Illumina Laboratory Services, Illumina); PubMed 33006316 (cited by Quest Diagnostics Nichols Institute San Juan Capistrano); PubMed 22095935 (cited by Quest Diagnostics Nichols Institute San Juan Capistrano); PubMed 8960785 (cited by Cardiovascular Research Group, Instituto Nacional de Saude Doutor Ricardo Jorge and Laboratory of Genetics and Molecular Cardiology, University of São Paulo).

NM_000384.3(APOB):c.13441G>A (p.Ala4481Thr)

Gene: APOB (apolipoprotein B; minus strand). Cytogenetic location: 2p24.1.
Variant type: single nucleotide variant.
Coding change: c.13441G>A on transcript NM_000384.3 (MANE Select); coding-DNA position 13441, G replaced by A.
Protein change: p.Ala4481Thr; replaces alanine 4481 with threonine.
Molecular consequence: missense variant.
Genome position (GRCh38, 1-based): chr2:21,001,981, C>T on the plus strand (G>A on the coding strand, the complement: APOB is on the minus strand). VCF-style: chr2-21001981-C-T. GRCh37 (hg19) VCF-style: chr2-21224853-C-T.
Other names: p.Ala4481Thr; short protein forms A4481T.
Identifiers: ClinVar variation 128419 (VCV000128419.39), dbSNP rs1801695, ClinGen allele CA022792.